The following is an entry in ClinVar:

NM_001101.5(ACTB):c.364-3C>T

Gene: ACTB (actin beta; minus strand). Cytogenetic location: 7p22.1.
Variant type: single nucleotide variant.
Coding change: c.364-3C>T on transcript NM_001101.5 (MANE Select); 3 bases into the intron before coding-DNA position 364, C replaced by T.
Molecular consequence: intron variant.
Genome position (GRCh38, 1-based): chr7:5,528,722, G>A on the plus strand (C>T on the coding strand, the complement: ACTB is on the minus strand). VCF-style: chr7-5528722-G-A. GRCh37 (hg19) VCF-style: chr7-5568353-G-A.
Identifiers: ClinVar variation 2814823 (VCV002814823.3), dbSNP rs1562719316, ClinGen allele CA572822085.

ClinVar aggregate classification (germline): Uncertain significance (1 of 4 stars; one submission).

Conditions:
Baraitser-Winter syndrome 1 (BRWS1). Also called: Cerebrofrontofacial syndrome; MENTAL RETARDATION WITH EPILEPSY AND CHARACTERISTIC FACIES; PACHYGYRIA, MENTAL RETARDATION, EPILEPSY, AND CHARACTERISTIC FACIES; BARAITSER-WINTER SYNDROME 1, ATYPICAL. Identifiers: Orphanet 2649, Orphanet 2995, MedGen C1855722, MONDO:0009470, OMIM 243310.

Allele frequency attached by ClinVar (database versions not stated): gnomAD exomes below 0.00001.
gnomAD v4.1: 3 of 1,613,536 alleles (0.00019%); highest among the groups gnomAD compares: Non-Finnish European, 0.00025%; no homozygotes.

Submission:

Labcorp Genetics (formerly Invitae), Labcorp
Classification: Uncertain significance for Baraitser-Winter syndrome 1. Last evaluated: 2022-12-22. Review status: criteria provided, single submitter. Criteria: Invitae Variant Classification Sherloc (09022015). Collection method: clinical testing. Allele origin: germline.
Comment: This sequence change falls in intron 3 of the ACTB gene. It does not directly change the encoded amino acid sequence of the ACTB protein. It affects a nucleotide within the consensus splice site. This variant is present in population databases (no rsID available, gnomAD 0.0009%). This variant has not been reported in the literature in individuals affected with ACTB-related conditions. Variants that disrupt the consensus splice site are a relatively common cause of aberrant splicing (PMID: 17576681, 9536098). Algorithms developed to predict the effect of sequence changes on RNA splicing suggest that this variant is not likely to affect RNA splicing. In summary, the available evidence is currently insufficient to determine the role of this variant in disease. Therefore, it has been classified as a Variant of Uncertain Significance.

Literature cited by the submitters: PubMed 17576681; PubMed 9536098.